The following is an entry in ClinVar:

NM_005422.4(TECTA):c.6348G>C (p.Glu2116Asp)

Genes: TBCEL-TECTA (TBCEL-TECTA readthrough; plus strand), TECTA (tectorin alpha; plus strand). Cytogenetic location: 11q23.3.
Variant type: single nucleotide variant.
Coding change: c.6348G>C on transcript NM_005422.4 (MANE Select); coding-DNA position 6348, G replaced by C.
Protein change: p.Glu2116Asp; replaces glutamic acid 2116 with aspartic acid.
Molecular consequence: missense variant.
Genome position (GRCh38, 1-based): chr11:121,189,861, G>C. VCF-style: chr11-121189861-G-C. GRCh37 (hg19) VCF-style: chr11-121060570-G-C.
Other names: c.7290G>C, p.Glu2430Asp (NM_001378761.1); short protein forms E2116D, E2430D.
Identifiers: ClinVar variation 2274761 (VCV002274761.4), dbSNP rs773526497, ClinGen allele CA6327955.

ClinVar aggregate classification (germline): Uncertain significance. Review status: criteria provided, multiple submitters, no conflicts (2 of 4 stars). 2 submissions from 2 submitters: Uncertain significance (2). Last evaluated 2024-04-04.

Conditions:
Inborn genetic diseases. Identifiers: MedGen C0950123, MeSH D030342.

Allele frequency attached by ClinVar (database versions not stated): ExAC 0.00002; gnomAD 0.00005; TOPMed 0.00009.
gnomAD v4.1: 24 of 1,613,144 alleles (0.0015%); highest among the groups gnomAD compares: African/African-American, 0.019%; no homozygotes.

Submissions (2):

Ambry Genetics
Classification: Uncertain significance for Inborn genetic diseases. Last evaluated: 2024-04-04. Review status: criteria provided, single submitter. Criteria: Ambry Variant Classification Scheme 2023. Collection method: clinical testing. Allele origin: germline.

GeneDx
Classification: Uncertain significance. Last evaluated: 2024-04-03. Review status: criteria provided, single submitter. Criteria: GeneDx Variant Classification Process June 2021. Collection method: clinical testing. Allele origin: germline. Affected: yes.
Comment: In silico analysis supports that this missense variant does not alter protein structure/function; Has not been previously published as pathogenic or benign to our knowledge